The following is an entry in ClinVar:

NM_004136.4(IREB2):c.1499C>G (p.Ser500Cys)

Gene: IREB2 (iron responsive element binding protein 2; plus strand). Cytogenetic location: 15q25.1.
Variant type: single nucleotide variant.
Coding change: c.1499C>G on transcript NM_004136.4 (MANE Select); coding-DNA position 1499, C replaced by G.
Protein change: p.Ser500Cys; replaces serine 500 with cysteine.
Molecular consequence: missense variant.
Genome position (GRCh38, 1-based): chr15:78,484,846, C>G. VCF-style: chr15-78484846-C-G. GRCh37 (hg19) VCF-style: chr15-78777188-C-G.
Other names: c.749C>G, p.Ser250Cys (NM_001320941.2); c.1328C>G, p.Ser443Cys (NM_001320942.2, NM_001354994.2); c.1499C>G (NM_004136.2); short protein forms S250C, S443C, S500C.
Identifiers: ClinVar variation 2176410 (VCV002176410.5), dbSNP rs750221258, ClinGen allele CA7682991.

ClinVar aggregate classification (germline): Uncertain significance. Review status: criteria provided, multiple submitters, no conflicts (2 of 4 stars). 2 submissions from 2 submitters: Uncertain significance (2). Last evaluated 2025-12-22.

Conditions:
Inborn genetic diseases. Identifiers: MedGen C0950123, MeSH D030342.

Allele frequency attached by ClinVar (database versions not stated): gnomAD 0.00001; gnomAD exomes 0.00001; ExAC 0.00002.
gnomAD v4.1: 8 of 1,613,628 alleles (0.0005%); highest among the groups gnomAD compares: Admixed American, 0.0083%; no homozygotes.

Submissions (2):

Ambry Genetics
Classification: Uncertain significance for Inborn genetic diseases. Last evaluated: 2025-12-22. Review status: criteria provided, single submitter. Criteria: Ambry Variant Classification Scheme 2023. Collection method: clinical testing. Allele origin: germline.

Labcorp Genetics (formerly Invitae), Labcorp
Classification: Uncertain significance. Last evaluated: 2023-06-29. Review status: criteria provided, single submitter. Criteria: Invitae Variant Classification Sherloc (09022015). Collection method: clinical testing. Allele origin: germline.
Comment: In summary, the available evidence is currently insufficient to determine the role of this variant in disease. Therefore, it has been classified as a Variant of Uncertain Significance. Algorithms developed to predict the effect of missense changes on protein structure and function output the following: SIFT: "Not Available"; PolyPhen-2: "Benign"; Align-GVGD: "Not Available". The cysteine amino acid residue is found in multiple mammalian species, which suggests that this missense change does not adversely affect protein function. ClinVar contains an entry for this variant (Variation ID: 2176410). This variant has not been reported in the literature in individuals affected with IREB2-related conditions. This variant is present in population databases (rs750221258, gnomAD 0.009%). This sequence change replaces serine, which is neutral and polar, with cysteine, which is neutral and slightly polar, at codon 500 of the IREB2 protein (p.Ser500Cys).